The following is an entry in ClinVar:

ClinVar aggregate classification (germline): Uncertain significance. Review status: criteria provided, multiple submitters, no conflicts (2 of 4 stars). 2 submissions from 2 submitters: Uncertain significance (2). Last evaluated 2025-10-05.

Conditions:
Malignant hyperthermia, susceptibility to, 1 (MHS1). Also called: Anesthesia related hyperthermia; Malignant hyperpyrexia; Fulminating hyperpyrexia; Pharmacogenic myopathy; RYR1-Related Malignant Hyperthermia Susceptibility; Malignant hyperthermia suceptibility 1. Identifiers: Orphanet 423, MedGen C2930980, MONDO:0007783, OMIM 145600.

Submissions (2):

Color Diagnostics, LLC DBA Color Health
Classification: Uncertain significance for Malignant hyperthermia, susceptibility to, 1. Last evaluated: 2025-10-05. Review status: criteria provided, single submitter. Criteria: ACMG Guidelines, 2015. Collection method: clinical testing. Allele origin: germline.
Comment: This missense variant replaces proline with threonine at codon 3971 of the RYR1 protein. Computational prediction suggests that this variant may have deleterious impact on protein structure and function. To our knowledge, functional studies have not been reported for this variant. This variant has not been reported in individuals affected with RYR1-related disorders in the literature. This variant has not been identified in the general population by the Genome Aggregation Database (gnomAD). The available evidence is insufficient to determine the role of this variant in disease conclusively. Therefore, this variant is classified as a Variant of Uncertain Significance.

All of Us Research Program, National Institutes of Health
Classification: Uncertain significance for Malignant hyperthermia, susceptibility to, 1. Last evaluated: 2023-08-15. Review status: criteria provided, single submitter. Criteria: ACMG Guidelines, 2015. Collection method: clinical testing. Allele origin: germline. Inheritance: Autosomal dominant inheritance. Observed: 1 variant allele, 1 heterozygote.
Comment: This missense variant replaces proline with threonine at codon 3971 of the RYR1 protein. Computational prediction suggests that this variant may have deleterious impact on protein structure and function (internally defined REVEL score threshold >= 0.7, PMID: 27666373). To our knowledge, functional studies have not been reported for this variant. This variant has not been reported in individuals affected with RYR1-related disorders in the literature. This variant has not been identified in the general population by the Genome Aggregation Database (gnomAD). The available evidence is insufficient to determine the role of this variant in disease conclusively. Therefore, this variant is classified as a Variant of Uncertain Significance.

This study involves interpretation of variants in research participants for the purpose of population health screening. Participant phenotype was not available at the time of variant classification. Additional details can be found in publication PMID: 35346344, PMCID: PMC8962531

NM_000540.3(RYR1):c.11911C>A (p.Pro3971Thr)

Gene: RYR1 (ryanodine receptor 1; plus strand). Cytogenetic location: 19q13.2.
Variant type: single nucleotide variant.
Coding change: c.11911C>A on transcript NM_000540.3 (MANE Select); coding-DNA position 11911, C replaced by A.
Protein change: p.Pro3971Thr; replaces proline 3971 with threonine.
Molecular consequence: missense variant.
Genome position (GRCh38, 1-based): chr19:38,543,774, C>A. VCF-style: chr19-38543774-C-A. GRCh37 (hg19) VCF-style: chr19-39034414-C-A.
Other names: c.11896C>A, p.Pro3966Thr (NM_001042723.2); short protein forms P3966T, P3971T.
Identifiers: ClinVar variation 3072711 (VCV003072711.2), dbSNP rs2514578943, ClinGen allele CA405662687.